The following is an entry in ClinVar:

ClinVar aggregate classification (germline): Uncertain significance. Review status: criteria provided, multiple submitters, no conflicts (2 of 4 stars). 2 submissions from 2 submitters: Uncertain significance (2). Last evaluated 2025-09-28.

Conditions:
Inborn genetic diseases. Identifiers: MedGen C0950123, MeSH D030342.

Allele frequency attached by ClinVar (database versions not stated): gnomAD exomes 0.00001.

Submissions (2):

Ambry Genetics
Classification: Uncertain significance for Inborn genetic diseases. Last evaluated: 2025-09-28. Review status: criteria provided, single submitter. Criteria: Ambry Variant Classification Scheme 2023. Collection method: clinical testing. Allele origin: germline.

Labcorp Genetics (formerly Invitae), Labcorp
Classification: Uncertain significance. Last evaluated: 2021-05-12. Review status: criteria provided, single submitter. Criteria: Invitae Variant Classification Sherloc (09022015). Collection method: clinical testing. Allele origin: germline.
Comment: In summary, the available evidence is currently insufficient to determine the role of this variant in disease. Therefore, it has been classified as a Variant of Uncertain Significance. Algorithms developed to predict the effect of missense changes on protein structure and function are either unavailable or do not agree on the potential impact of this missense change (SIFT: "Not Available"; PolyPhen-2: "Possibly Damaging"; Align-GVGD: "Not Available"). This variant has not been reported in the literature in individuals with UNC80-related conditions. This variant is not present in population databases (ExAC no frequency). This sequence change replaces methionine with valine at codon 1662 of the UNC80 protein (p.Met1662Val). The methionine residue is moderately conserved and there is a small physicochemical difference between methionine and valine.

NM_001371986.1(UNC80):c.5182A>G (p.Met1728Val)

Genes: UNC80 (unc-80 subunit of NALCN channel complex; plus strand), LOC126806490 (P300/CBP strongly-dependent group 1 enhancer GRCh37_chr2:210782411-210783610; plus strand). Cytogenetic location: 2q34.
Variant type: single nucleotide variant.
Coding change: c.5182A>G on transcript NM_001371986.1 (MANE Select); coding-DNA position 5182, A replaced by G.
Protein change: p.Met1728Val; replaces methionine 1728 with valine.
Molecular consequence: missense variant.
Genome position (GRCh38, 1-based): chr2:209,917,929, A>G. VCF-style: chr2-209917929-A-G. GRCh37 (hg19) VCF-style: chr2-210782653-A-G.
Other names: c.4969A>G, p.Met1657Val (NM_182587.4); c.4984A>G (NM_032504.1); c.4984A>G, p.Met1662Val (NM_032504.2); short protein forms M1662V, M1728V, M1657V.
Identifiers: ClinVar variation 1474137 (VCV001474137.6), dbSNP rs933619857, ClinGen allele CA350759442.